The following is an entry in ClinVar:

NM_005477.3(HCN4):c.785+8_785+10dup

Gene: HCN4 (hyperpolarization activated cyclic nucleotide gated potassium channel 4; minus strand). Cytogenetic location: 15q24.1.
Variant type: Duplication.
Coding change: c.785+8_785+10dup on transcript NM_005477.3 (MANE Select); bases 8 to 10 of the intron after coding-DNA position 785, 3 bases duplicated (GCC; older notation c.785+8_785+10dupGCC).
Molecular consequence: intron variant.
Genome position (GRCh38, 1-based): chr15:73,367,476-73,367,478, GGC duplicated on the plus strand (GCC on the coding strand, the reverse complement: HCN4 is on the minus strand). VCF-style (leftmost placement, unchanged base first): chr15-73367475-T-TGGC. GRCh37 (hg19) VCF-style: chr15-73659816-T-TGGC.
Other names: c.785+8_785+10dupGCC (NM_005477.2).
Identifiers: ClinVar variation 513373 (VCV000513373.8), dbSNP rs759445840, ClinGen allele CA7649425.
Genomic context (GRCh38, chr15:73,367,475, plus strand): 5'-AGGCAGGGTCAGGAGGAGGCATGCCTGCCACCGCGCAGGGCACCCACAGGATCATCGCTG[T>TGGC]GGCCCCTTACCTGAAGTCACTGTAGGGGTGGATAATCCAAAATCCGGCCGACTTGACCCT-3'

ClinVar aggregate classification (germline): Likely benign. Review status: criteria provided, multiple submitters, no conflicts (2 of 4 stars). 2 submissions from 2 submitters: Likely benign (2). Last evaluated 2025-06-29.

Conditions:
Brugada syndrome 8 (BRGDA8). Identifiers: Orphanet 130, MedGen C2751083, MONDO:0013148, OMIM 613123.

Allele frequency attached by ClinVar (database versions not stated): gnomAD exomes below 0.00001; ExAC 0.00001; gnomAD 0.00001 and 0.00002; TOPMed 0.00001.

Submissions (2):

Labcorp Genetics (formerly Invitae), Labcorp
Classification: Likely benign for Brugada syndrome 8. Last evaluated: 2025-06-29. Review status: criteria provided, single submitter. Criteria: Invitae Variant Classification Sherloc (09022015). Collection method: clinical testing. Allele origin: germline.

GeneDx
Classification: Likely benign. Last evaluated: 2017-11-16. Review status: criteria provided, single submitter. Criteria: GeneDx Variant Classification (06012015). Collection method: clinical testing. Allele origin: germline. Affected: yes.
Comment: This variant is considered likely benign or benign based on one or more of the following criteria: it is a conservative change, it occurs at a poorly conserved position in the protein, it is predicted to be benign by multiple in silico algorithms, and/or has population frequency not consistent with disease.